The following is an entry in ClinVar:

NM_000466.3(PEX1):c.3373A>T (p.Met1125Leu)

Genes: GATAD1 (GATA zinc finger domain containing 1; plus strand), PEX1 (peroxisomal biogenesis factor 1; minus strand). Cytogenetic location: 7q21.2.
Variant type: single nucleotide variant.
Coding change: c.3373A>T on transcript NM_000466.3 (MANE Select); coding-DNA position 3373, A replaced by T.
Protein change: p.Met1125Leu; replaces methionine 1125 with leucine.
Molecular consequence: missense variant.
Genome position (GRCh38, 1-based): chr7:92,491,337, T>A on the plus strand (A>T on the coding strand, the complement: PEX1 is on the minus strand). VCF-style: chr7-92491337-T-A. GRCh37 (hg19) VCF-style: chr7-92120651-T-A.
Other names: p.Met1125Leu; c.3202A>T, p.Met1068Leu (NM_001282677.2); c.2749A>T, p.Met917Leu (NM_001282678.2); short protein forms M1125L, M917L, M1068L.
Identifiers: ClinVar variation 360915 (VCV000360915.67), dbSNP rs142994610, ClinGen allele CA4340845.

ClinVar aggregate classification (germline): Conflicting classifications of pathogenicity. Review status: criteria provided, conflicting classifications (1 of 4 stars). 10 submissions from 10 submitters: Uncertain significance (4); Benign (1); Likely benign (3). 2 of the submissions do not count toward it. Last evaluated 2026-02-04.

Conditions:
Heimler syndrome 1 (HMLR1). Also called: PEROXISOME BIOGENESIS DISORDER 1C. Identifiers: Orphanet 3220, MedGen C4551980, OMIM 234580, MONDO:0024544.
Peroxisome biogenesis disorder 1A (Zellweger) (PBD1A). Also called: Zellweger leukodystrophy; Peroxisome biogenesis disorder 1a. Identifiers: MedGen C4721541, MONDO:0008953, OMIM 214100.
PEX1-related disorder. Also called: PEX1-related condition.
Zellweger spectrum disorders (ZS). Also called: Zellweger Spectrum Disorder; Zellweger Spectrum; Zellweger syndrome; Zellweger Spectrum Disorder (ZSD). Identifiers: Orphanet 912, MedGen C0043459, MONDO:0019609.

Allele frequency attached by ClinVar (database versions not stated): 1000 Genomes Project 0.00020; 1000 Genomes Project 30x 0.00047; gnomAD 0.00065 and 0.00072; TOPMed 0.00065; gnomAD exomes 0.00105; ExAC 0.00114; ESP Exome Variant Server 0.00123.
gnomAD v4.1: 2,190 of 1,614,026 alleles (0.14%); highest among the groups gnomAD compares: South Asian, 0.41%; 10 homozygotes.

Submissions (10):

Labcorp Genetics (formerly Invitae), Labcorp
Classification: Benign for Zellweger spectrum disorders. Last evaluated: 2026-02-04. Review status: criteria provided, single submitter. Criteria: Invitae Variant Classification Sherloc (09022015). Collection method: clinical testing. Allele origin: germline.

Mayo Clinic Laboratories, Mayo Clinic
Classification: Likely benign. Last evaluated: 2025-07-08. Review status: criteria provided, single submitter. Criteria: ACMG Guidelines, 2015. Collection method: clinical testing. Allele origin: germline. Observed: 2 variant alleles.
Comment: BS1, BS2

Blueprint Genetics
Classification: Likely benign. Last evaluated: 2024-11-20. Review status: criteria provided, single submitter. Criteria: ACMG Guidelines, 2015. Collection method: clinical testing. Allele origin: germline.

Institute of Human Genetics, University of Leipzig Medical Center
Classification: Likely benign for Heimler syndrome 1. Last evaluated: 2019-01-01. Review status: criteria provided, single submitter. Criteria: ACMG Guidelines, 2015. Collection method: clinical testing. Allele origin: unknown. Affected: yes.

Eurofins Ntd Llc (ga)
Classification: Uncertain significance. Last evaluated: 2018-05-24. Review status: criteria provided, single submitter. Criteria: EGL ClinVar v180209 classification definitions. Collection method: clinical testing. Allele origin: germline. Observed: 2 variant alleles, 2 heterozygotes.

Baylor Genetics
Classification: Uncertain significance for Heimler syndrome 1. Last evaluated: 2018-01-24. Review status: criteria provided, single submitter. Criteria: ACMG Guidelines, 2015. Collection method: clinical testing. Allele origin: unknown. Affected: yes.
Comment: This variant was determined to be of uncertain significance according to ACMG Guidelines, 2015 [PMID:25741868].

Illumina Laboratory Services, Illumina
Classification: Uncertain significance for Peroxisome biogenesis disorder 1A (Zellweger). Last evaluated: 2018-01-12. Review status: criteria provided, single submitter. Criteria: ICSL Variant Classification Criteria 13 December 2019. Collection method: clinical testing. Allele origin: germline.

CeGaT Center for Human Genetics Tuebingen
Classification: Uncertain significance. Last evaluated: 2017-05-01. Review status: criteria provided, single submitter. Criteria: CeGaT Center For Human Genetics Tuebingen Variant Classification Criteria Version 2. Collection method: clinical testing. Allele origin: germline. Affected: yes. Observed: 1 variant allele.

PreventionGenetics, part of Exact Sciences
Classification: Likely benign for PEX1-related condition. Last evaluated: 2022-02-22. Review status: no assertion criteria provided. Collection method: clinical testing. Allele origin: germline. Not counted in ClinVar's aggregate classification.
Comment: This variant is classified as likely benign based on ACMG/AMP sequence variant interpretation guidelines (Richards et al. 2015 PMID: 25741868, with internal and published modifications).

Natera, Inc.
Classification: Benign for Zellweger syndrome. Last evaluated: 2017-05-23. Review status: no assertion criteria provided. Collection method: clinical testing. Allele origin: germline. Not counted in ClinVar's aggregate classification.